The following is an entry in ClinVar:

ClinVar aggregate classification (germline): Uncertain significance (1 of 4 stars; one submission).

Conditions:
Hereditary cancer-predisposing syndrome. Also called: Neoplastic Syndromes, Hereditary; Tumor predisposition; Hereditary Cancer Syndrome; Hereditary neoplastic syndrome. Identifiers: Orphanet 140162, MedGen C0027672, MeSH D009386, MONDO:0015356.

Submission:

Ambry Genetics
Classification: Uncertain significance for Hereditary cancer-predisposing syndrome. Last evaluated: 2025-12-17. Review status: criteria provided, single submitter. Criteria: Ambry Variant Classification Scheme 2023. Collection method: clinical testing. Allele origin: germline.
Comment: The p.I1579M variant (also known as c.4737T>G), located in coding exon 15 of the APC gene, results from a T to G substitution at nucleotide position 4737. The isoleucine at codon 1579 is replaced by methionine, an amino acid with highly similar properties. This amino acid position is highly conserved in available vertebrate species. In addition, in silico predictors for this gene do not accurately predict pathogenicity. Based on the available evidence, the clinical significance of this variant remains unclear.

NM_000038.6(APC):c.4737T>G (p.Ile1579Met)

Gene: APC (APC regulator of Wnt signaling pathway; plus strand). Cytogenetic location: 5q22.2.
Variant type: single nucleotide variant.
Coding change: c.4737T>G on transcript NM_000038.6 (MANE Select); coding-DNA position 4737, T replaced by G.
Protein change: p.Ile1579Met; replaces isoleucine 1579 with methionine.
Molecular consequence: missense variant. On other transcripts: non-coding transcript variant (2).
Genome position (GRCh38, 1-based): chr5:112,840,331, T>G. VCF-style: chr5-112840331-T-G. GRCh37 (hg19) VCF-style: chr5-112176028-T-G.
Other names: c.4737T>G, p.Ile1579Met (NM_001407450.1, NM_001127510.3, NM_001354895.2); c.4716T>G, p.Ile1572Met (NM_001407451.1); c.4707T>G, p.Ile1569Met (NM_001407452.1); c.4560T>G, p.Ile1520Met (NM_001407453.1, NM_001354901.2); c.4488T>G, p.Ile1496Met (NM_001407454.1, NM_001407455.1, NM_001407456.1 and 1 more transcripts); c.4434T>G, p.Ile1478Met (NM_001407458.1, NM_001407459.1, NM_001407460.1 and 1 more transcripts); c.4350T>G, p.Ile1450Met (NM_001407467.1, NM_001407469.1); c.3888T>G, p.Ile1296Met (NM_001407470.1, NM_001354906.2); and 11 more; short protein forms I1488M, I1520M, I1538M, I1569M, I1579M, I1597M, I1195M, I1419M.
Identifiers: ClinVar variation 4843514 (VCV004843514.1).